The following is an entry in ClinVar:

NM_001009944.3(PKD1):c.4475G>A (p.Arg1492His)

Gene: PKD1 (polycystin 1, transient receptor potential channel interacting; minus strand). Cytogenetic location: 16p13.3.
Variant type: single nucleotide variant.
Coding change: c.4475G>A on transcript NM_001009944.3 (MANE Select); coding-DNA position 4475, G replaced by A.
Protein change: p.Arg1492His; replaces arginine 1492 with histidine.
Molecular consequence: missense variant.
Genome position (GRCh38, 1-based): chr16:2,110,692, C>T on the plus strand (G>A on the coding strand, the complement: PKD1 is on the minus strand). VCF-style: chr16-2110692-C-T. GRCh37 (hg19) VCF-style: chr16-2160693-C-T.
Other names: c.4475G>A, p.Arg1492His (NM_000296.4); short protein forms R1492H.
Identifiers: ClinVar variation 2514438 (VCV002514438.3), dbSNP rs757055929, ClinGen allele CA7832364.

ClinVar aggregate classification (germline): Uncertain significance. Review status: criteria provided, single submitter (1 of 4 stars). 2 submissions from 2 submitters: Uncertain significance (1). 1 of the submissions does not count toward it. Last evaluated 2023-06-02.

Conditions:
Inborn genetic diseases. Identifiers: MedGen C0950123, MeSH D030342.
PKD1-related disorder. Also called: PKD1-related condition.

gnomAD v4.1: 93 of 1,610,176 alleles (0.0058%); highest among the groups gnomAD compares: Admixed American, 0.0083%; no homozygotes.

Submissions (2):

Ambry Genetics
Classification: Uncertain significance for Inborn genetic diseases. Last evaluated: 2023-06-02. Review status: criteria provided, single submitter. Criteria: Ambry Variant Classification Scheme 2023. Collection method: clinical testing. Allele origin: germline.

PreventionGenetics, part of Exact Sciences
Classification: Uncertain significance for PKD1-related condition. Last evaluated: 2024-05-14. Review status: no assertion criteria provided. Collection method: clinical testing. Allele origin: germline. Not counted in ClinVar's aggregate classification.
Comment: The PKD1 c.4475G>A variant is predicted to result in the amino acid substitution p.Arg1492His. To our knowledge, this variant has not been reported in the literature. This variant is reported in 0.0055% of alleles in individuals of East Asian descent in gnomAD. At this time, the clinical significance of this variant is uncertain due to the absence of conclusive functional and genetic evidence.